The following is an entry in ClinVar:

ClinVar aggregate classification (germline): Uncertain significance. Review status: criteria provided, multiple submitters, no conflicts (2 of 4 stars). 3 submissions from 3 submitters: Uncertain significance (3). Last evaluated 2026-03-09.

Conditions:
Inborn genetic diseases. Identifiers: MedGen C0950123, MeSH D030342.
Charcot-Marie-Tooth disease type 4. Also called: Charcot-Marie-Tooth disease, type IV; Charcot-Marie-Tooth, Type 4. Identifiers: Orphanet 64749, MedGen C4082197, MONDO:0018995.

Allele frequency attached by ClinVar (database versions not stated): ExAC 0.00001; gnomAD exomes 0.00001; TOPMed 0.00003.
gnomAD v4.1: 11 of 1,614,250 alleles (0.00068%); highest among the groups gnomAD compares: African/African-American, 0.0013%; no homozygotes.

Submissions (3):

GeneDx
Classification: Uncertain significance. Last evaluated: 2026-03-09. Review status: criteria provided, single submitter. Criteria: GeneDx Variant Classification Process June 2021. Collection method: clinical testing. Allele origin: germline.
Comment: Not observed at significant frequency in large population cohorts (gnomAD); In silico analysis suggests that this missense variant does not alter protein structure/function; Has not been previously published as pathogenic or benign to our knowledge; This variant is associated with the following publications: (PMID: 22734899)

Labcorp Genetics (formerly Invitae), Labcorp
Classification: Uncertain significance for Charcot-Marie-Tooth disease type 4. Last evaluated: 2024-07-29. Review status: criteria provided, single submitter. Criteria: Invitae Variant Classification Sherloc (09022015). Collection method: clinical testing. Allele origin: germline.
Comment: This sequence change replaces isoleucine, which is neutral and non-polar, with valine, which is neutral and non-polar, at codon 127 of the FGD4 protein (p.Ile127Val). This variant is present in population databases (rs768685900, gnomAD 0.007%). This variant has not been reported in the literature in individuals affected with FGD4-related conditions. ClinVar contains an entry for this variant (Variation ID: 857935). Advanced modeling of protein sequence and biophysical properties (such as structural, functional, and spatial information, amino acid conservation, physicochemical variation, residue mobility, and thermodynamic stability) performed at Invitae indicates that this missense variant is not expected to disrupt FGD4 protein function with a negative predictive value of 80%. In summary, the available evidence is currently insufficient to determine the role of this variant in disease. Therefore, it has been classified as a Variant of Uncertain Significance.

Ambry Genetics
Classification: Uncertain significance for Inborn genetic diseases. Last evaluated: 2024-02-14. Review status: criteria provided, single submitter. Criteria: Ambry Variant Classification Scheme 2023. Collection method: clinical testing. Allele origin: germline.

NM_001370298.3(FGD4):c.790A>G (p.Ile264Val)

Gene: FGD4 (FYVE, RhoGEF and PH domain containing 4; plus strand). Cytogenetic location: 12p11.21.
Variant type: single nucleotide variant.
Coding change: c.790A>G on transcript NM_001370298.3 (MANE Select); coding-DNA position 790, A replaced by G.
Protein change: p.Ile264Val; replaces isoleucine 264 with valine.
Molecular consequence: missense variant. On other transcripts: 5 prime UTR variant (2), non-coding transcript variant (1), intron variant (1).
Genome position (GRCh38, 1-based): chr12:32,582,246, A>G. VCF-style: chr12-32582246-A-G. GRCh37 (hg19) VCF-style: chr12-32735180-A-G.
Other names: c.634A>G, p.Ile212Val (NM_001304481.2); c.-466A>G (NM_001304483.2); c.-773A>G (NM_001304484.2); c.100A>G, p.Ile34Val (NM_001330373.2, NM_001330374.2, NM_001384130.1); c.790A>G, p.Ile264Val (NM_001384126.1); c.379A>G, p.Ile127Val (NM_001384127.1, NM_001384128.1, NM_001384131.1 and 3 more transcripts); c.49-16251A>G (NM_001370297.1); c.379A>G (NM_139241.2); short protein forms I212V, I127V, I34V, I264V.
Identifiers: ClinVar variation 857935 (VCV000857935.10), dbSNP rs768685900, ClinGen allele CA6506623.
Genomic context (GRCh38, chr12:32,582,246, plus strand): 5'-GCTGCCACTCTTAGCTCAGATACTTCTATTCAAGCTTCTGAACCCTTGCTTGATACGCAC[A>G]TAGTGAATGGAGAAAGAGATGAAACTGCCACAGCTCCTGCATCACCCACAACAGACAGCT-3'
Protein context (NP_001357227.2, residues 254-274): QASEPLLDTH[Ile264Val]VNGERDETAT